The following is an entry in ClinVar:

NM_006015.6(ARID1A):c.1243C>T (p.His415Tyr)

Gene: ARID1A (AT-rich interaction domain 1A; plus strand). Cytogenetic location: 1p36.11.
Variant type: single nucleotide variant.
Coding change: c.1243C>T on transcript NM_006015.6 (MANE Select); coding-DNA position 1243, C replaced by T.
Protein change: p.His415Tyr; replaces histidine 415 with tyrosine.
Molecular consequence: missense variant.
Genome position (GRCh38, 1-based): chr1:26,729,756, C>T. VCF-style: chr1-26729756-C-T. GRCh37 (hg19) VCF-style: chr1-27056247-C-T.
Other names: c.1243C>T, p.His415Tyr (NM_139135.4); short protein forms H415Y.
Identifiers: ClinVar variation 2132591 (VCV002132591.4), dbSNP rs2124785270, ClinGen allele CA339267623.

ClinVar aggregate classification (germline): Uncertain significance (1 of 4 stars; one submission).

Submission:

Labcorp Genetics (formerly Invitae), Labcorp
Classification: Uncertain significance. Last evaluated: 2022-05-15. Review status: criteria provided, single submitter. Criteria: Invitae Variant Classification Sherloc (09022015). Collection method: clinical testing. Allele origin: germline.
Comment: In summary, the available evidence is currently insufficient to determine the role of this variant in disease. Therefore, it has been classified as a Variant of Uncertain Significance. Advanced modeling of protein sequence and biophysical properties (such as structural, functional, and spatial information, amino acid conservation, physicochemical variation, residue mobility, and thermodynamic stability) performed at Invitae indicates that this missense variant is not expected to disrupt ARID1A protein function. This variant has not been reported in the literature in individuals affected with ARID1A-related conditions. This variant is not present in population databases (gnomAD no frequency). This sequence change replaces histidine, which is basic and polar, with tyrosine, which is neutral and polar, at codon 415 of the ARID1A protein (p.His415Tyr).